The following is an entry in ClinVar:

NM_000207.3(INS):c.188-42G>A

Genes: INS (insulin; minus strand), INS-IGF2 (INS-IGF2 readthrough; minus strand). Cytogenetic location: 11p15.5.
Variant type: single nucleotide variant.
Coding change: c.188-42G>A on transcript NM_000207.3 (MANE Select); 42 bases into the intron before coding-DNA position 188, G replaced by A.
Molecular consequence: intron variant.
Genome position (GRCh38, 1-based): chr11:2,160,039, C>T on the plus strand (G>A on the coding strand, the complement: INS is on the minus strand). VCF-style: chr11-2160039-C-T. GRCh37 (hg19) VCF-style: chr11-2181269-C-T.
Other names: c.187+746G>A (NM_001042376.3); c.188-42G>A (NM_001185097.2, NM_001291897.2, NM_001185098.2).
Identifiers: ClinVar variation 4986664 (VCV004986664.1).

ClinVar aggregate classification (germline): Uncertain significance (1 of 4 stars; one submission).

Conditions:
INS-related disorder. Also called: INS-related condition.

gnomAD v4.1: 9 of 1,548,452 alleles (0.00058%); highest among the groups gnomAD compares: South Asian, 0.0035%; no homozygotes.

Submission:

PreventionGenetics, part of Exact Sciences
Classification: Uncertain significance for INS-related condition. Last evaluated: 2024-10-17. Review status: criteria provided, single submitter. Criteria: ACMG Guidelines, 2015. Collection method: clinical testing. Allele origin: germline.
Comment: The INS c.188-42G>A variant is predicted to interfere with splicing. To our knowledge, this variant has not been reported in the literature. This variant is reported in 0.0085% of alleles in individuals of South Asian descent in gnomAD. At this time, the clinical significance of this variant is uncertain due to the absence of conclusive functional and genetic evidence.